The following is an entry in ClinVar:

ClinVar aggregate classification (germline): Pathogenic. Review status: criteria provided, single submitter (1 of 4 stars). 2 submissions from 2 submitters: Pathogenic (1). 1 of the submissions does not count toward it. Last evaluated 2024-10-02.

Conditions:
Inborn genetic diseases. Identifiers: MedGen C0950123, MeSH D030342.
Rhizomelic limb shortening with dysmorphic features. Identifiers: MedGen C5394173, MONDO:0032935, OMIM 618821.

Allele frequency attached by ClinVar (database versions not stated): TOPMed below 0.00001; ExAC 0.00006.

Submissions (2):

Ambry Genetics
Classification: Pathogenic for Inborn genetic diseases. Last evaluated: 2024-10-02. Review status: criteria provided, single submitter. Criteria: Ambry Variant Classification Scheme 2023. Collection method: clinical testing. Allele origin: germline.
Comment: The c.651C>A (p.Y217*) alteration, located in coding exon 2 of the PKDCC gene, consists of a C to A substitution at nucleotide position 651. This changes the amino acid from a tyrosine (Y) to a stop codon at amino acid position 217. This alteration is expected to result in loss of function by premature protein truncation or nonsense-mediated mRNA decay. Based on data from gnomAD, the A allele has an overall frequency of 0.002% (4/248834) total alleles studied. The highest observed frequency was 0.019% (4/21292) of European (Finnish) alleles. Based on the available evidence, this alteration is classified as pathogenic.

OMIM
Classification: Pathogenic for RHIZOMELIC LIMB SHORTENING WITH DYSMORPHIC FEATURES. Last evaluated: 2020-03-20. Review status: no assertion criteria provided. Collection method: literature only. Allele origin: germline. Not counted in ClinVar's aggregate classification.

Literature cited by the submitters: PubMed 30478137 (cited by OMIM).

NM_138370.3(PKDCC):c.651C>A (p.Tyr217Ter)

Gene: PKDCC (protein kinase domain containing, cytoplasmic; plus strand). Cytogenetic location: 2p21.
Variant type: single nucleotide variant.
Coding change: c.651C>A on transcript NM_138370.3 (MANE Select); coding-DNA position 651, C replaced by A.
Protein change: p.Tyr217Ter; replaces tyrosine 217 with a stop codon.
Molecular consequence: nonsense.
Genome position (GRCh38, 1-based): chr2:42,053,250, C>A. VCF-style: chr2-42053250-C-A. GRCh37 (hg19) VCF-style: chr2-42280390-C-A.
Other names: PKDCC, TYR217TER (rs761532715); short protein forms Y217*.
Identifiers: ClinVar variation 521769 (VCV000521769.5), dbSNP rs761532715, ClinGen allele CA1627967.